The following is an entry in ClinVar:

ClinVar aggregate classification (germline): Benign. Review status: criteria provided, multiple submitters, no conflicts (2 of 4 stars). 2 submissions from 2 submitters: Benign (2). Last evaluated 2018-06-19.

Allele frequency attached by ClinVar (database versions not stated): TOPMed 0.90220; 1000 Genomes Project 0.90455; 1000 Genomes Project 30x 0.90522.
gnomAD v4.1: 138,982 of 152,314 alleles (91%); highest among the groups gnomAD compares: Non-Finnish European, 96%; 63,878 homozygotes.

Submissions (2):

GeneDx
Classification: Benign. Last evaluated: 2018-06-19. Review status: criteria provided, single submitter. Criteria: GeneDx Variant Classification (06012015). Collection method: clinical testing. Allele origin: germline. Affected: yes.
Comment: This variant is considered likely benign or benign based on one or more of the following criteria: it is a conservative change, it occurs at a poorly conserved position in the protein, it is predicted to be benign by multiple in silico algorithms, and/or has population frequency not consistent with disease.

Breakthrough Genomics
Classification: Benign. Review status: criteria provided, single submitter. Criteria: ACMG Guidelines, 2015. Collection method: not provided. Allele origin: germline. Inheritance: Autosomal recessive inheritance. Affected: yes.

NM_000350.3(ABCA4):c.5461-291A>C

Gene: ABCA4 (ATP binding cassette subfamily A member 4; minus strand). Cytogenetic location: 1p22.1.
Variant type: single nucleotide variant.
Coding change: c.5461-291A>C on transcript NM_000350.3 (MANE Select); 291 bases into the intron before coding-DNA position 5461, A replaced by C.
Molecular consequence: intron variant.
Genome position (GRCh38, 1-based): chr1:94,011,676, T>G on the plus strand (A>C on the coding strand, the complement: ABCA4 is on the minus strand). VCF-style: chr1-94011676-T-G. GRCh37 (hg19) VCF-style: chr1-94477232-T-G.
Identifiers: ClinVar variation 680456 (VCV000680456.2), dbSNP rs565155, ClinGen allele CA10986612.